The following is an entry in ClinVar:

NM_000414.4(HSD17B4):c.1898_1902del (p.Arg633fs)

Gene: HSD17B4 (hydroxysteroid 17-beta dehydrogenase 4; plus strand). Cytogenetic location: 5q23.1.
Variant type: Deletion.
Coding change: c.1898_1902del on transcript NM_000414.4 (MANE Select); coding-DNA positions 1898 to 1902, 5 bases deleted (GCCGC; older notation c.1898_1902delGCCGC).
Protein change: p.Arg633fs; shifts the reading frame from arginine 633.
Molecular consequence: frameshift variant. On other transcripts: non-coding transcript variant (2).
Genome position (GRCh38, 1-based): chr5:119,531,309-119,531,313, GCCGC deleted; deleting any 5 consecutive bases within chr5:119,531,308-119,531,313 gives the same sequence; the c. name uses the placement nearest the transcript's 3' end. VCF-style (leftmost placement, unchanged base first): chr5-119531307-ACGCCG-A. GRCh37 (hg19) VCF-style: chr5-118867002-ACGCCG-A.
Other names: c.1973_1977del, p.Arg658fs (NM_001199291.3); c.1844_1848del, p.Arg615fs (NM_001199292.2); c.1826_1830del, p.Arg609fs (NM_001292027.2, NM_001374498.1); c.1478_1482del, p.Arg493fs (NM_001292028.2); c.1889_1893del, p.Arg630fs (NM_001374497.1); c.1571_1575del, p.Arg524fs (NM_001374499.1); c.1457_1461del, p.Arg486fs (NM_001374500.1); c.1487_1491del, p.Arg496fs (NM_001374501.1, NM_001374502.1, NM_001374503.1); short protein forms R486fs, R615fs, R496fs, R493fs, R524fs, R609fs, R630fs, R633fs.
Identifiers: ClinVar variation 2942288 (VCV002942288.3), dbSNP rs2531953881, ClinGen allele CA2740094060.

ClinVar aggregate classification (germline): Pathogenic (1 of 4 stars; one submission).

Conditions:
Perrault syndrome. Also called: Gonadal dysgenesis with auditory dysfunction, autosomal recessive inheritance. Identifiers: Orphanet 2855, MedGen C0685838, MONDO:0017312.
Bifunctional peroxisomal enzyme deficiency (DBIF). Also called: DBP DEFICIENCY; PBFE DEFICIENCY; D-bifunctional protein deficiency. Identifiers: Orphanet 300, MedGen C0342870, MONDO:0009855, OMIM 261515. Disease mechanism: loss of function.

Submission:

Labcorp Genetics (formerly Invitae), Labcorp
Classification: Pathogenic for Perrault syndrome; Bifunctional peroxisomal enzyme deficiency. Last evaluated: 2022-12-13. Review status: criteria provided, single submitter. Criteria: Invitae Variant Classification Sherloc (09022015). Collection method: clinical testing. Allele origin: germline.
Comment: This sequence change creates a premature translational stop signal (p.Arg633Profs*7) in the HSD17B4 gene. It is expected to result in an absent or disrupted protein product. Loss-of-function variants in HSD17B4 are known to be pathogenic (PMID: 11810648, 16385454, 20673864). This variant is not present in population databases (gnomAD no frequency). This variant has not been reported in the literature in individuals affected with HSD17B4-related conditions. Algorithms developed to predict the effect of sequence changes on RNA splicing suggest that this variant may disrupt the consensus splice site. For these reasons, this variant has been classified as Pathogenic.

Literature cited by the submitters: PubMed 11810648; PubMed 16385454; PubMed 20673864.